The following is an entry in ClinVar:

ClinVar aggregate classification (germline): Uncertain significance (1 of 4 stars; one submission).

Conditions:
IGF1R-related disorder. Also called: IGF1R-related condition.

Allele frequency attached by ClinVar (database versions not stated): TOPMed below 0.00001; ESP Exome Variant Server 0.00008.

Submission:

PreventionGenetics, part of Exact Sciences
Classification: Uncertain significance for IGF1R-related condition. Last evaluated: 2023-08-02. Review status: criteria provided, single submitter. Criteria: ACMG Guidelines, 2015. Collection method: clinical testing. Allele origin: germline.
Comment: The IGF1R c.3763A>C variant is predicted to result in the amino acid substitution p.Met1255Leu. To our knowledge, this variant has not been reported in the literature. This variant is reported in 0.00088% of alleles in individuals of European (Non-Finnish) descent in gnomAD. At this time, the clinical significance of this variant is uncertain due to the absence of conclusive functional and genetic evidence.

NM_000875.5(IGF1R):c.3763A>C (p.Met1255Leu)

Gene: IGF1R (insulin like growth factor 1 receptor; plus strand). Cytogenetic location: 15q26.3.
Variant type: single nucleotide variant.
Coding change: c.3763A>C on transcript NM_000875.5 (MANE Select); coding-DNA position 3763, A replaced by C.
Protein change: p.Met1255Leu; replaces methionine 1255 with leucine.
Molecular consequence: missense variant.
Genome position (GRCh38, 1-based): chr15:98,957,101, A>C. VCF-style: chr15-98957101-A-C. GRCh37 (hg19) VCF-style: chr15-99500330-A-C.
Other names: c.3760A>C, p.Met1254Leu (NM_001291858.2); short protein forms M1254L, M1255L.
Identifiers: ClinVar variation 2631858 (VCV002631858.1), dbSNP rs149148921, ClinGen allele CA275332184.